The following is an entry in ClinVar:

ClinVar aggregate classification (germline): Uncertain significance (1 of 4 stars; one submission).

Conditions:
Hereditary cancer-predisposing syndrome. Also called: Tumor predisposition; Hereditary Cancer Syndrome; Hereditary neoplastic syndrome; Neoplastic Syndromes, Hereditary. Identifiers: Orphanet 140162, MedGen C0027672, MeSH D009386, MONDO:0015356.

gnomAD v4.1: 3 of 1,614,106 alleles (0.00019%); highest among the groups gnomAD compares: Non-Finnish European, 0.00025%; no homozygotes.

Submission:

Ambry Genetics
Classification: Uncertain significance for Hereditary cancer-predisposing syndrome. Last evaluated: 2024-06-09. Review status: criteria provided, single submitter. Criteria: Ambry Variant Classification Scheme 2023. Collection method: clinical testing. Allele origin: germline.
Comment: The p.Q341H variant (also known as c.1023A>C), located in coding exon 9 of the APC gene, results from an A to C substitution at nucleotide position 1023. The glutamine at codon 341 is replaced by histidine, an amino acid with highly similar properties. This amino acid position is conserved. In addition, in silico predictors for this gene do not accurately predict pathogenicity. Based on the available evidence, the clinical significance of this variant remains unclear.

NM_000038.6(APC):c.1023A>C (p.Gln341His)

Gene: APC (APC regulator of Wnt signaling pathway; plus strand). Cytogenetic location: 5q22.2.
Variant type: single nucleotide variant.
Coding change: c.1023A>C on transcript NM_000038.6 (MANE Select); coding-DNA position 1023, A replaced by C.
Protein change: p.Gln341His; replaces glutamine 341 with histidine.
Molecular consequence: missense variant. On other transcripts: intron variant (15), non-coding transcript variant (2).
Genome position (GRCh38, 1-based): chr5:112,819,055, A>C. VCF-style: chr5-112819055-A-C. GRCh37 (hg19) VCF-style: chr5-112154752-A-C.
Other names: c.934-214A>C (NM_001407459.1, NM_001407454.1, NM_001354903.2 and 5 more transcripts); c.859-214A>C (NM_001354904.2); c.85-214A>C (NM_001407471.1, NM_001407472.1); c.850-214A>C (NM_001407467.1, NM_001407469.1); c.757-214A>C (NM_001354905.2); c.1023A>C, p.Gln341His (NM_001127510.3, NM_001354895.2, NM_001354896.2 and 4 more transcripts); c.969A>C, p.Gln323His (NM_001127511.3); c.1053A>C, p.Gln351His (NM_001354897.2, NM_001407446.1); and 5 more; short protein forms Q282H, Q313H, Q341H, Q323H, Q351H, Q316H, Q58H.
Identifiers: ClinVar variation 3305769 (VCV003305769.1).